The following is an entry in ClinVar:

ClinVar aggregate classification (germline): Conflicting classifications of pathogenicity. Review status: criteria provided, conflicting classifications (1 of 4 stars). 3 submissions from 3 submitters: Pathogenic (1); Uncertain significance (1). 1 of the submissions does not count toward it. Last evaluated 2024-05-21.

Conditions:
Developmental and epileptic encephalopathy, 30 (DEE30). Also called: Epileptic encephalopathy, early infantile, 30. Identifiers: MedGen C4225360, MONDO:0014595, OMIM 616341.

Allele frequency attached by ClinVar (database versions not stated): gnomAD exomes 0.00001.

Submissions (3):

Labcorp Genetics (formerly Invitae), Labcorp
Classification: Uncertain significance for Developmental and epileptic encephalopathy, 30. Last evaluated: 2024-05-21. Review status: criteria provided, single submitter. Criteria: Invitae Variant Classification Sherloc (09022015). Collection method: clinical testing. Allele origin: germline.
Comment: This sequence change creates a premature translational stop signal (p.Gln633*) in the SIK1 gene. It is expected to result in an absent or disrupted protein product. However, the current clinical and genetic evidence is not sufficient to establish whether loss-of-function variants in SIK1 cause disease. The frequency data for this variant in the population databases is considered unreliable, as metrics indicate poor data quality at this position in the gnomAD database. This premature translational stop signal has been observed in individual(s) with clinical features of developmental and epileptic encephalopathy (PMID: 25839329). ClinVar contains an entry for this variant (Variation ID: 190108). Algorithms developed to predict the effect of variants on gene product structure and function are not available or were not evaluated for this variant. Experimental studies have shown that this premature translational stop signal affects SIK1 function (PMID: 25839329, 27966542). In summary, the available evidence is currently insufficient to determine the role of this variant in disease. Therefore, it has been classified as a Variant of Uncertain Significance.

Mendelics
Classification: Pathogenic for Developmental and epileptic encephalopathy, 30. Last evaluated: 2022-05-04. Review status: criteria provided, single submitter. Criteria: Mendelics Assertion Criteria 2019. Collection method: clinical testing. Allele origin: germline.

OMIM
Classification: Pathogenic for DEVELOPMENTAL AND EPILEPTIC ENCEPHALOPATHY 30. Last evaluated: 2015-04-02. Review status: no assertion criteria provided. Collection method: literature only. Allele origin: germline. Not counted in ClinVar's aggregate classification.

Literature cited by the submitters: PubMed 25839329 (cited by Labcorp Genetics (formerly Invitae), Labcorp and OMIM); PubMed 27966542 (cited by Labcorp Genetics (formerly Invitae), Labcorp).

NM_173354.5(SIK1):c.1897C>T (p.Gln633Ter)

Gene: SIK1 (salt inducible kinase 1; minus strand). Cytogenetic location: 21q22.3.
Variant type: single nucleotide variant.
Coding change: c.1897C>T on transcript NM_173354.5 (MANE Select); coding-DNA position 1897, C replaced by T.
Protein change: p.Gln633Ter; replaces glutamine 633 with a stop codon.
Molecular consequence: nonsense.
Genome position (GRCh38, 1-based): chr21:43,417,622, G>A on the plus strand (C>T on the coding strand, the complement: SIK1 is on the minus strand). VCF-style: chr21-43417622-G-A. GRCh37 (hg19) VCF-style: chr21-44837502-G-A.
Other names: short protein forms Q633*.
Identifiers: ClinVar variation 190108 (VCV000190108.5), dbSNP rs786205162, ClinGen allele CA199553.